The following is an entry in ClinVar:

ClinVar aggregate classification (germline): Uncertain significance. Review status: criteria provided, multiple submitters, no conflicts (2 of 4 stars). 3 submissions from 3 submitters: Uncertain significance (3). Last evaluated 2025-10-22.

Conditions:
Inborn genetic diseases. Identifiers: MedGen C0950123, MeSH D030342.

Allele frequency attached by ClinVar (database versions not stated): gnomAD exomes 0.00001; TOPMed 0.00001; gnomAD 0.00002; ExAC 0.00014.
gnomAD v4.1: 12 of 1,187,741 alleles (0.001%); highest among the groups gnomAD compares: Non-Finnish European, 0.0014%; no homozygotes.

Submissions (3):

Ambry Genetics
Classification: Uncertain significance for Inborn genetic diseases. Last evaluated: 2025-10-22. Review status: criteria provided, single submitter. Criteria: Ambry Variant Classification Scheme 2023. Collection method: clinical testing. Allele origin: germline.

CeGaT Center for Human Genetics Tuebingen
Classification: Uncertain significance. Last evaluated: 2024-03-01. Review status: criteria provided, single submitter. Criteria: CeGaT Center For Human Genetics Tuebingen Variant Classification Criteria Version 2. Collection method: clinical testing. Allele origin: germline. Affected: yes. Observed: 1 variant allele.
Comment: FGD1: PM2

Blueprint Genetics
Classification: Uncertain significance. Last evaluated: 2023-10-25. Review status: criteria provided, single submitter. Criteria: ACMG Guidelines, 2015. Collection method: clinical testing. Allele origin: germline.

NM_004463.3(FGD1):c.232C>T (p.Pro78Ser)

Gene: FGD1 (FYVE, RhoGEF and PH domain containing 1; minus strand). Cytogenetic location: Xp11.22.
Variant type: single nucleotide variant.
Coding change: c.232C>T on transcript NM_004463.3 (MANE Select); coding-DNA position 232, C replaced by T.
Protein change: p.Pro78Ser; replaces proline 78 with serine.
Molecular consequence: missense variant.
Genome position (GRCh38, 1-based): chrX:54,495,201, G>A on the plus strand (C>T on the coding strand, the complement: FGD1 is on the minus strand). VCF-style: chrX-54495201-G-A. GRCh37 (hg19) VCF-style: chrX-54521634-G-A.
Other names: c.232C>T (NM_004463.2); short protein forms P78S.
Identifiers: ClinVar variation 3067297 (VCV003067297.22), dbSNP rs746586922, ClinGen allele CA10425301.